The following is an entry in ClinVar:

NM_001081.4(CUBN):c.8578T>G (p.Cys2860Gly)

Gene: CUBN (cubilin; minus strand). Cytogenetic location: 10p13.
Variant type: single nucleotide variant.
Coding change: c.8578T>G on transcript NM_001081.4 (MANE Select); coding-DNA position 8578, T replaced by G.
Protein change: p.Cys2860Gly; replaces cysteine 2860 with glycine.
Molecular consequence: missense variant.
Genome position (GRCh38, 1-based): chr10:16,899,016, A>C on the plus strand (T>G on the coding strand, the complement: CUBN is on the minus strand). VCF-style: chr10-16899016-A-C. GRCh37 (hg19) VCF-style: chr10-16941015-A-C.
Other names: short protein forms C2860G.
Identifiers: ClinVar variation 649888 (VCV000649888.11), dbSNP rs138719573, ClinGen allele CA5422994.
Genomic context (GRCh38, chr10:16,899,016, plus strand): 5'-AAACCAACTTGGCTCCAATTAAATGAACAAGTGTACTAACCTTCACGAAGCTATTCTGAC[A>C]TTGTCCATCACCGCTGGGGATTAGGAAGTTGTTGTCAAAGCTGATCTCCAAGTGTTTACT-3'
Protein context (NP_001072.2, residues 2850-2870): NFLIPSGDGQ[Cys2860Gly]QNSFVKVWAG

ClinVar aggregate classification (germline): Uncertain significance. Review status: criteria provided, multiple submitters, no conflicts (2 of 4 stars). 3 submissions from 3 submitters: Uncertain significance (3). Last evaluated 2022-09-06.

Conditions:
Inborn genetic diseases. Identifiers: MedGen C0950123, MeSH D030342.
Imerslund-Grasbeck syndrome type 1 (IGS1). Also called: Megaloblastic anemia 1, Finnish type; MEGALOBLASTIC ANEMIA, 1; Imerslund-Gräsbeck syndrome 1. Identifiers: MedGen C4016819, MONDO:0100156, OMIM 261100.
Proteinuria, chronic benign. Identifiers: MedGen C5394384, MONDO:0030042, OMIM 618884.
Imerslund-Grasbeck syndrome. Also called: Megaloblastic anemia due to inborn errors of metabolism; ENTEROCYTE COBALAMIN MALABSORPTION; ENTEROCYTE INTRINSIC FACTOR RECEPTOR, DEFECT OF; Imerslund-Gräsbeck syndrome; PERNICIOUS ANEMIA, JUVENILE, DUE TO SELECTIVE INTESTINAL MALABSORPTION OF VITAMIN B12, WITH PROTEINURIA. Identifiers: Orphanet 35858, MedGen C4551825, MONDO:0009853.

Allele frequency attached by ClinVar (database versions not stated): TOPMed 0.00002.
gnomAD v4.1: 5 of 1,612,878 alleles (0.00031%); highest among the groups gnomAD compares: Admixed American, 0.0067%; no homozygotes.

Submissions (3):

Ambry Genetics
Classification: Uncertain significance for Inborn genetic diseases. Last evaluated: 2022-09-06. Review status: criteria provided, single submitter. Criteria: Ambry Variant Classification Scheme 2023. Collection method: clinical testing. Allele origin: germline.

Fulgent Genetics
Classification: Uncertain significance for Imerslund-Grasbeck syndrome type 1; Proteinuria, chronic benign. Last evaluated: 2022-02-16. Review status: criteria provided, single submitter. Criteria: ACMG Guidelines, 2015. Collection method: clinical testing. Allele origin: unknown.

Labcorp Genetics (formerly Invitae), Labcorp
Classification: Uncertain significance for Imerslund-Grasbeck syndrome. Last evaluated: 2018-12-04. Review status: criteria provided, single submitter. Criteria: Invitae Variant Classification Sherloc (09022015). Collection method: clinical testing. Allele origin: germline.
Comment: This sequence change replaces cysteine with glycine at codon 2860 of the CUBN protein (p.Cys2860Gly). The cysteine residue is highly conserved and there is a large physicochemical difference between cysteine and glycine. This variant is present in population databases (rs138719573, ExAC 0.001%). This variant has not been reported in the literature in individuals with CUBN-related conditions. Algorithms developed to predict the effect of missense changes on protein structure and function (SIFT, PolyPhen-2, Align-GVGD) all suggest that this variant is likely to be tolerated, but these predictions have not been confirmed by published functional studies and their clinical significance is uncertain. In summary, the available evidence is currently insufficient to determine the role of this variant in disease. Therefore, it has been classified as a Variant of Uncertain Significance.